The following is an entry in ClinVar:

NM_001183.6(ATP6AP1):c.1049A>G (p.Asn350Ser)

Gene: ATP6AP1 (ATPase H+ transporting accessory protein 1; plus strand). Cytogenetic location: Xq28.
Variant type: single nucleotide variant.
Coding change: c.1049A>G on transcript NM_001183.6 (MANE Select); coding-DNA position 1049, A replaced by G.
Protein change: p.Asn350Ser; replaces asparagine 350 with serine.
Molecular consequence: missense variant.
Genome position (GRCh38, 1-based): chrX:154,435,351, A>G. VCF-style: chrX-154435351-A-G. GRCh37 (hg19) VCF-style: chrX-153663697-A-G.
Other names: short protein forms N350S.
Identifiers: ClinVar variation 3364862 (VCV003364862.1).

ClinVar aggregate classification (germline): Uncertain significance (1 of 4 stars; one submission).

Submission:

GeneDx
Classification: Uncertain significance. Last evaluated: 2023-11-27. Review status: criteria provided, single submitter. Criteria: GeneDx Variant Classification Process June 2021. Collection method: clinical testing. Allele origin: germline. Affected: yes.
Comment: Not observed at significant frequency in large population cohorts (gnomAD); In silico analysis supports that this missense variant does not alter protein structure/function; Has not been previously published as pathogenic or benign to our knowledge